The following is an entry in ClinVar:

ClinVar aggregate classification (germline): Pathogenic (1 of 4 stars; one submission).

Submission:

GeneDx
Classification: Pathogenic. Last evaluated: 2020-01-22. Review status: criteria provided, single submitter. Criteria: GeneDx Variant Classification Process June 2021. Collection method: clinical testing. Allele origin: germline. Affected: yes.
Comment: Not observed in large population cohorts (Lek et al., 2016); In silico analysis, which includes protein predictors and evolutionary conservation, supports a deleterious effect; This variant is associated with the following publications: (PMID: 29365063)

NM_007327.4(GRIN1):c.1949A>T (p.Asn650Ile)

Gene: GRIN1 (glutamate ionotropic receptor NMDA type subunit 1; plus strand). Cytogenetic location: 9q34.3.
Variant type: single nucleotide variant.
Coding change: c.1949A>T on transcript NM_007327.4 (MANE Select); coding-DNA position 1949, A replaced by T.
Protein change: p.Asn650Ile; replaces asparagine 650 with isoleucine.
Molecular consequence: missense variant.
Genome position (GRCh38, 1-based): chr9:137,162,675, A>T. VCF-style: chr9-137162675-A-T. GRCh37 (hg19) VCF-style: chr9-140057127-A-T.
Other names: c.1949A>T, p.Asn650Ile (NM_000832.7, NM_021569.4); c.2012A>T, p.Asn671Ile (NM_001185090.2, NM_001185091.2); short protein forms N650I, N671I.
Identifiers: ClinVar variation 429784 (VCV000429784.3), dbSNP rs1131691590, ClinGen allele CA375720939.